The following is an entry in ClinVar:

ClinVar aggregate classification (germline): Benign (1 of 4 stars; one submission).

Conditions:
Amyotrophic lateral sclerosis type 21. Also called: VOCAL CORD AND PHARYNGEAL DYSFUNCTION WITH DISTAL MYOPATHY; MYOPATHY, DISTAL, 2. Identifiers: Orphanet 600, Orphanet 803, MedGen C3807521, MONDO:0011632, OMIM 606070.

Allele frequency attached by ClinVar (database versions not stated): ExAC 0.00245; gnomAD exomes 0.00310 and 0.00521; gnomAD 0.02451 and 0.02638; 1000 Genomes Project 0.02696; 1000 Genomes Project 30x 0.02748; TOPMed 0.02795.
gnomAD v4.1: 4,643 of 454,350 alleles (1%); highest among the groups gnomAD compares: African/African-American, 8.5%; 193 homozygotes.

Submission:

Illumina Laboratory Services, Illumina
Classification: Benign for Amyotrophic lateral sclerosis type 21. Last evaluated: 2018-01-12. Review status: criteria provided, single submitter. Criteria: ICSL Variant Classification Criteria 13 December 2019. Collection method: clinical testing. Allele origin: germline.
Comment: This variant was observed in the ICSL laboratory as part of a predisposition screen in an ostensibly healthy population. It had not been previously curated by ICSL or reported in the Human Gene Mutation Database (HGMD: prior to June 1st, 2018), and was therefore a candidate for classification through an automated scoring system. Utilizing variant allele frequency, disease prevalence and penetrance estimates, and inheritance mode, an automated score was calculated to assess if this variant is too frequent to cause the disease. Based on the score and internal cut-off values, a variant classified as benign is not then subjected to further curation. The score for this variant resulted in a classification of benign for this disease.

NM_018834.6(MATR3):c.*1076T>C

Gene: MATR3 (matrin 3; plus strand). Cytogenetic location: 5q31.2.
Variant type: single nucleotide variant.
Coding change: c.*1076T>C on transcript NM_018834.6 (MANE Select); 1076 bases downstream of the stop codon, T replaced by C.
Molecular consequence: 3 prime UTR variant.
Genome position (GRCh38, 1-based): chr5:139,330,471, T>C. VCF-style: chr5-139330471-T-C. GRCh37 (hg19) VCF-style: chr5-138666160-T-C.
Other names: c.*1076T>C (NM_001194954.2, NM_001194955.2, NM_001194956.2 and 2 more transcripts).
Identifiers: ClinVar variation 351164 (VCV000351164.5), dbSNP rs2015602, ClinGen allele CA3433582.